The following is an entry in ClinVar:

ClinVar aggregate classification (germline): not provided (0 of 4 stars; one submission).

Conditions:
FG syndrome 1 (OKS). Also called: OPITZ-KAVEGGIA SYNDROME; KELLER SYNDROME; MENTAL RETARDATION, LARGE HEAD, IMPERFORATE ANUS, CONGENITAL HYPOTONIA, AND PARTIAL AGENESIS OF CORPUS CALLOSUM; FG Syndrome Type 1 (FGS1). Identifiers: Orphanet 93932, MedGen C5399762, MONDO:0010590, OMIM 305450.

Submission:

GeneReviews
No classification provided. Condition: FG syndrome. Review status: no classification provided. Collection method: literature only. Allele origin: germline.

Literature cited by the submitters: PubMed 33244165; PubMed 20301719.

NM_005120.3(MED12):c.5919C>A (p.Tyr1973Ter)

Gene: MED12 (mediator complex subunit 12; plus strand). Cytogenetic location: Xq13.1.
Variant type: single nucleotide variant.
Coding change: c.5919C>A on transcript NM_005120.3 (MANE Select); coding-DNA position 5919, C replaced by A.
Protein change: p.Tyr1973Ter; replaces tyrosine 1973 with a stop codon.
Molecular consequence: nonsense.
Genome position (GRCh38, 1-based): chrX:71,137,818, C>A. VCF-style: chrX-71137818-C-A. GRCh37 (hg19) VCF-style: chrX-70357668-C-A.
Other names: short protein forms Y1973*.
Identifiers: ClinVar variation 1210251 (VCV001210251.2), dbSNP rs2147830849, ClinGen allele CA413539286.